The following is an entry in ClinVar:

NM_001365999.1(SZT2):c.4177G>A (p.Glu1393Lys)

Gene: SZT2 (SZT2 subunit of KICSTOR complex; plus strand). Cytogenetic location: 1p34.2.
Variant type: single nucleotide variant.
Coding change: c.4177G>A on transcript NM_001365999.1 (MANE Select); coding-DNA position 4177, G replaced by A.
Protein change: p.Glu1393Lys; replaces glutamic acid 1393 with lysine.
Molecular consequence: missense variant.
Genome position (GRCh38, 1-based): chr1:43,429,713, G>A. VCF-style: chr1-43429713-G-A. GRCh37 (hg19) VCF-style: chr1-43895384-G-A.
Other names: c.4006G>A, p.Glu1336Lys (NM_015284.4); short protein forms E1336K, E1393K.
Identifiers: ClinVar variation 1354869 (VCV001354869.6), dbSNP rs972433934, ClinGen allele CA21635690.

ClinVar aggregate classification (germline): Uncertain significance (1 of 4 stars; one submission).

Allele frequency attached by ClinVar (database versions not stated): gnomAD exomes 0.00001; TOPMed 0.00001.
gnomAD v4.1: 9 of 1,614,172 alleles (0.00056%); highest among the groups gnomAD compares: Middle Eastern, 0.016%; no homozygotes.

Submission:

Labcorp Genetics (formerly Invitae), Labcorp
Classification: Uncertain significance. Last evaluated: 2022-07-12. Review status: criteria provided, single submitter. Criteria: Invitae Variant Classification Sherloc (09022015). Collection method: clinical testing. Allele origin: germline.
Comment: In summary, the available evidence is currently insufficient to determine the role of this variant in disease. Therefore, it has been classified as a Variant of Uncertain Significance. Algorithms developed to predict the effect of missense changes on protein structure and function are either unavailable or do not agree on the potential impact of this missense change (SIFT: "Tolerated"; PolyPhen-2: "Probably Damaging"; Align-GVGD: "Class C0"). ClinVar contains an entry for this variant (Variation ID: 1354869). This variant has not been reported in the literature in individuals affected with SZT2-related conditions. This variant is not present in population databases (gnomAD no frequency). This sequence change replaces glutamic acid, which is acidic and polar, with lysine, which is basic and polar, at codon 1336 of the SZT2 protein (p.Glu1336Lys).